The following is an entry in ClinVar:

NM_152564.5(VPS13B):c.11336G>C (p.Gly3779Ala)

Gene: VPS13B (vacuolar protein sorting 13 homolog B; plus strand). Cytogenetic location: 8q22.2.
Variant type: single nucleotide variant.
Coding change: c.11336G>C on transcript NM_152564.5 (MANE Select); coding-DNA position 11336, G replaced by C.
Protein change: p.Gly3779Ala; replaces glycine 3779 with alanine.
Molecular consequence: missense variant.
Genome position (GRCh38, 1-based): chr8:99,868,409, G>C. VCF-style: chr8-99868409-G-C. GRCh37 (hg19) VCF-style: chr8-100880637-G-C.
Other names: c.11411G>C, p.Gly3804Ala (NM_017890.5); short protein forms G3779A, G3804A.
Identifiers: ClinVar variation 2082008 (VCV002082008.4), dbSNP rs2492347227, ClinGen allele CA371792205.

ClinVar aggregate classification (germline): Uncertain significance (1 of 4 stars; one submission).

Conditions:
Cohen syndrome (COH1). Also called: PEPPER SYNDROME; Cutis verticis gyrata, retinitis pigmentosa, and sensorineural deafness. Identifiers: Orphanet 193, MedGen C0265223, MONDO:0008999, OMIM 216550.

Submission:

Labcorp Genetics (formerly Invitae), Labcorp
Classification: Uncertain significance for Cohen syndrome. Last evaluated: 2022-07-06. Review status: criteria provided, single submitter. Criteria: Invitae Variant Classification Sherloc (09022015). Collection method: clinical testing. Allele origin: germline.
Comment: In summary, the available evidence is currently insufficient to determine the role of this variant in disease. Therefore, it has been classified as a Variant of Uncertain Significance. Algorithms developed to predict the effect of missense changes on protein structure and function are either unavailable or do not agree on the potential impact of this missense change (SIFT: "Not Available"; PolyPhen-2: "Probably Damaging"; Align-GVGD: "Not Available"). This variant has not been reported in the literature in individuals affected with VPS13B-related conditions. This variant is not present in population databases (gnomAD no frequency). This sequence change replaces glycine, which is neutral and non-polar, with alanine, which is neutral and non-polar, at codon 3804 of the VPS13B protein (p.Gly3804Ala).